The following is an entry in ClinVar:

ClinVar aggregate classification (germline): Likely pathogenic (1 of 4 stars; one submission).

Conditions:
Retinitis pigmentosa 11 (RP11). Identifiers: Orphanet 791, MedGen C1838601, MONDO:0010828, OMIM 600138.

Submission:

3billion
Classification: Likely pathogenic for Retinitis pigmentosa 11. Last evaluated: 2023-10-25. Review status: criteria provided, single submitter. Criteria: ACMG Guidelines, 2015. Collection method: clinical testing. Allele origin: germline. Affected: yes.
Comment: The variant is not observed in the gnomAD v2.1.1 dataset. Predicted Consequence/Location: Stop-gained (nonsense): predicted to result in a loss or disruption of normal protein function through nonsense-mediated decay (NMD) or protein truncation. Multiple pathogenic variants are reported downstream of the variant. Therefore, this variant is classified as Likely pathogenic according to the recommendation of ACMG/AMP guideline.

NM_015629.4(PRPF31):c.365dup (p.Pro123_Glu124insTer)

Genes: PRPF31 (pre-mRNA processing factor 31; plus strand), PRPF31-AS1 (PRPF31 antisense RNA 1; minus strand). Cytogenetic location: 19q13.42.
Variant type: Duplication.
Coding change: c.365dup on transcript NM_015629.4 (MANE Select); coding-DNA position 365, one base duplicated (T; older notation c.365dupT).
Protein change: p.Pro123_Glu124insTer.
Molecular consequence: frameshift variant. On other transcripts: non-coding transcript variant (1).
Genome position (GRCh38, 1-based): chr19:54,122,539, T duplicated; the last of 2 consecutive T bases (chr19:54,122,538-54,122,539); duplicating either gives the same sequence. VCF-style (leftmost placement, unchanged base first): chr19-54122537-A-AT. GRCh37 (hg19) VCF-style: chr19-54625916-A-AT.
Identifiers: ClinVar variation 3775339 (VCV003775339.1).
Genomic context (GRCh38, chr19:54,122,537, plus strand): 5'-TCCTGTCCCGTTTACCCTAGACATCATCCATAAGTTCATCCGGGATAAGTACTCAAAGAG[A>AT]TTCCCTGAACTGGAGTCCTTGGTCCCCAATGCACTGGATTACATCCGCACGGTCAAGGTG-3'